The following is an entry in ClinVar:

ClinVar aggregate classification (germline): Uncertain significance (0 of 4 stars; one submission).

Conditions:
NRP2-related disorder. Also called: NRP2-related condition.

Submission:

PreventionGenetics, part of Exact Sciences
Classification: Uncertain significance for NRP2-related condition. Last evaluated: 2023-11-03. Review status: no assertion criteria provided. Collection method: clinical testing. Allele origin: germline.
Comment: The NRP2 c.1810C>G variant is predicted to result in the amino acid substitution p.Leu604Val. To our knowledge, this variant has not been reported in the literature. This variant is reported in 0.012% of alleles in individuals of Latino descent in gnomAD. At this time, the clinical significance of this variant is uncertain due to the absence of conclusive functional and genetic evidence.

NM_003872.3(NRP2):c.1810C>G (p.Leu604Val)

Gene: NRP2 (neuropilin 2; plus strand). Cytogenetic location: 2q33.3.
Variant type: single nucleotide variant.
Coding change: c.1810C>G on transcript NM_003872.3 (MANE Select); coding-DNA position 1810, C replaced by G.
Protein change: p.Leu604Val; replaces leucine 604 with valine.
Molecular consequence: missense variant.
Genome position (GRCh38, 1-based): chr2:205,749,748, C>G. VCF-style: chr2-205749748-C-G. GRCh37 (hg19) VCF-style: chr2-206614472-C-G.
Other names: c.1810C>G, p.Leu604Val (NM_018534.4, NM_201266.2, NM_201267.2 and 1 more transcripts); short protein forms L604V.
Identifiers: ClinVar variation 3350573 (VCV003350573.1).